The following is an entry in ClinVar:

ClinVar aggregate classification (germline): Uncertain significance (1 of 4 stars; one submission).

Submission:

Labcorp Genetics (formerly Invitae), Labcorp
Classification: Uncertain significance. Last evaluated: 2023-05-22. Review status: criteria provided, single submitter. Criteria: Invitae Variant Classification Sherloc (09022015). Collection method: clinical testing. Allele origin: germline.
Comment: This sequence change replaces glutamic acid, which is acidic and polar, with glutamine, which is neutral and polar, at codon 549 of the EMC1 protein (p.Glu549Gln). This variant is not present in population databases (gnomAD no frequency). This variant has not been reported in the literature in individuals affected with EMC1-related conditions. ClinVar contains an entry for this variant (Variation ID: 1517230). Advanced modeling of protein sequence and biophysical properties (such as structural, functional, and spatial information, amino acid conservation, physicochemical variation, residue mobility, and thermodynamic stability) performed at Invitae indicates that this missense variant is expected to disrupt EMC1 protein function. In summary, the available evidence is currently insufficient to determine the role of this variant in disease. Therefore, it has been classified as a Variant of Uncertain Significance.

NM_015047.3(EMC1):c.1645G>C (p.Glu549Gln)

Genes: EMC1 (ER membrane protein complex subunit 1; minus strand), EMC1-AS1 (EMC1 antisense RNA 1; plus strand). Cytogenetic location: 1p36.13.
Variant type: single nucleotide variant.
Coding change: c.1645G>C on transcript NM_015047.3 (MANE Select); coding-DNA position 1645, G replaced by C.
Protein change: p.Glu549Gln; replaces glutamic acid 549 with glutamine.
Molecular consequence: missense variant.
Genome position (GRCh38, 1-based): chr1:19,232,761, C>G on the plus strand (G>C on the coding strand, the complement: EMC1 is on the minus strand). VCF-style: chr1-19232761-C-G. GRCh37 (hg19) VCF-style: chr1-19559255-C-G.
Other names: c.1642G>C, p.Glu548Gln (NM_001271427.2, NM_001271428.2); c.1579G>C, p.Glu527Gln (NM_001271429.2); c.1654G>C, p.Glu552Gln (NM_001375820.1); c.1651G>C, p.Glu551Gln (NM_001375821.1); short protein forms E548Q, E551Q, E527Q, E549Q, E552Q.
Identifiers: ClinVar variation 1517230 (VCV001517230.6), dbSNP rs2093533431, ClinGen allele CA338761493.